The following is an entry in ClinVar:

NM_015559.3(SETBP1):c.2264A>T (p.Gln755Leu)

Gene: SETBP1 (SET binding protein 1; plus strand). Cytogenetic location: 18q12.3.
Variant type: single nucleotide variant.
Coding change: c.2264A>T on transcript NM_015559.3 (MANE Select); coding-DNA position 2264, A replaced by T.
Protein change: p.Gln755Leu; replaces glutamine 755 with leucine.
Molecular consequence: missense variant.
Genome position (GRCh38, 1-based): chr18:44,951,604, A>T. VCF-style: chr18-44951604-A-T. GRCh37 (hg19) VCF-style: chr18-42531569-A-T.
Other names: c.2264A>T, p.Gln755Leu (NM_001379141.1, NM_001379142.1, NM_001410862.1); short protein forms Q755L.
Identifiers: ClinVar variation 3005438 (VCV003005438.3), dbSNP rs2511471153, ClinGen allele CA402320754.

ClinVar aggregate classification (germline): Uncertain significance (1 of 4 stars; one submission).

Allele frequency attached by ClinVar (database versions not stated): gnomAD exomes below 0.00001.
gnomAD v4.1: 1 of 1,614,210 alleles (0.000062%); highest among the groups gnomAD compares: African/African-American, 0.0013%; no homozygotes.

Submission:

Labcorp Genetics (formerly Invitae), Labcorp
Classification: Uncertain significance. Last evaluated: 2022-12-03. Review status: criteria provided, single submitter. Criteria: Invitae Variant Classification Sherloc (09022015). Collection method: clinical testing. Allele origin: germline.
Comment: This variant is not present in population databases (gnomAD no frequency). In summary, the available evidence is currently insufficient to determine the role of this variant in disease. Therefore, it has been classified as a Variant of Uncertain Significance. Advanced modeling of protein sequence and biophysical properties (such as structural, functional, and spatial information, amino acid conservation, physicochemical variation, residue mobility, and thermodynamic stability) performed at Invitae indicates that this missense variant is not expected to disrupt SETBP1 protein function. This variant has not been reported in the literature in individuals affected with SETBP1-related conditions. This sequence change replaces glutamine, which is neutral and polar, with leucine, which is neutral and non-polar, at codon 755 of the SETBP1 protein (p.Gln755Leu).